The following is an entry in ClinVar:

NM_016156.6(MTMR2):c.1190C>G (p.Ala397Gly)

Gene: MTMR2 (myotubularin related protein 2; minus strand). Cytogenetic location: 11q21.
Variant type: single nucleotide variant.
Coding change: c.1190C>G on transcript NM_016156.6 (MANE Select); coding-DNA position 1190, C replaced by G.
Protein change: p.Ala397Gly; replaces alanine 397 with glycine.
Molecular consequence: missense variant.
Genome position (GRCh38, 1-based): chr11:95,845,149, G>C on the plus strand (C>G on the coding strand, the complement: MTMR2 is on the minus strand). VCF-style: chr11-95845149-G-C. GRCh37 (hg19) VCF-style: chr11-95578313-G-C.
Other names: c.974C>G, p.Ala325Gly (NM_001243571.2, NM_201278.3, NM_201281.3); short protein forms A397G, A325G.
Identifiers: ClinVar variation 583167 (VCV000583167.10), dbSNP rs145714734, ClinGen allele CA226599194.

ClinVar aggregate classification (germline): Uncertain significance. Review status: criteria provided, multiple submitters, no conflicts (2 of 4 stars). 3 submissions from 3 submitters: Uncertain significance (3). Last evaluated 2025-10-07.

Conditions:
Inborn genetic diseases. Identifiers: MedGen C0950123, MeSH D030342.
Charcot-Marie-Tooth disease type 4. Also called: Charcot-Marie-Tooth disease, type IV; Charcot-Marie-Tooth, Type 4. Identifiers: Orphanet 64749, MedGen C4082197, MONDO:0018995.

Allele frequency attached by ClinVar (database versions not stated): TOPMed 0.00003; gnomAD 0.00005 and 0.00006; ESP Exome Variant Server 0.00008.
gnomAD v4.1: 58 of 1,613,472 alleles (0.0036%); highest among the groups gnomAD compares: Non-Finnish European, 0.0048%; no homozygotes.

Submissions (3):

Women's Health and Genetics/Laboratory Corporation of America, LabCorp
Classification: Uncertain significance. Last evaluated: 2025-10-07. Review status: criteria provided, single submitter. Criteria: LabCorp Variant Classification Summary - May 2015. Collection method: clinical testing. Allele origin: germline.
Comment: Variant summary: MTMR2 c.1190C>G (p.Ala397Gly) results in a non-conservative amino acid change in the encoded protein sequence. Algorithms developed to predict the effect of missense changes on protein structure and function all suggest that this variant is likely to be disruptive. The variant allele was found at a frequency of 2e-05 in 251008 control chromosomes. The available data on variant occurrences in the general population are insufficient to allow any conclusion about variant significance. To our knowledge, no occurrence of c.1190C>G in individuals affected with MTMR2-related conditions and no experimental evidence demonstrating its impact on protein function have been reported. ClinVar contains an entry for this variant (Variation ID: 583167). Based on the evidence outlined above, the variant was classified as uncertain significance.

Ambry Genetics
Classification: Uncertain significance for Inborn genetic diseases. Last evaluated: 2024-05-14. Review status: criteria provided, single submitter. Criteria: Ambry Variant Classification Scheme 2023. Collection method: clinical testing. Allele origin: germline.

Labcorp Genetics (formerly Invitae), Labcorp
Classification: Uncertain significance for Charcot-Marie-Tooth disease type 4. Last evaluated: 2022-07-26. Review status: criteria provided, single submitter. Criteria: Invitae Variant Classification Sherloc (09022015). Collection method: clinical testing. Allele origin: germline.
Comment: This sequence change replaces alanine, which is neutral and non-polar, with glycine, which is neutral and non-polar, at codon 397 of the MTMR2 protein (p.Ala397Gly). This variant is present in population databases (rs145714734, gnomAD 0.004%). This variant has not been reported in the literature in individuals affected with MTMR2-related conditions. ClinVar contains an entry for this variant (Variation ID: 583167). Advanced modeling of protein sequence and biophysical properties (such as structural, functional, and spatial information, amino acid conservation, physicochemical variation, residue mobility, and thermodynamic stability) performed at Invitae indicates that this missense variant is not expected to disrupt MTMR2 protein function. Algorithms developed to predict the effect of sequence changes on RNA splicing suggest that this variant may disrupt the consensus splice site. In summary, the available evidence is currently insufficient to determine the role of this variant in disease. Therefore, it has been classified as a Variant of Uncertain Significance.